The following is an entry in ClinVar:

NM_007347.5(AP4E1):c.2040T>G (p.Ile680Met)

Gene: AP4E1 (adaptor related protein complex 4 subunit epsilon 1; plus strand). Cytogenetic location: 15q21.2.
Variant type: single nucleotide variant.
Coding change: c.2040T>G on transcript NM_007347.5 (MANE Select); coding-DNA position 2040, T replaced by G.
Protein change: p.Ile680Met; replaces isoleucine 680 with methionine.
Molecular consequence: missense variant.
Genome position (GRCh38, 1-based): chr15:50,984,095, T>G. VCF-style: chr15-50984095-T-G. GRCh37 (hg19) VCF-style: chr15-51276292-T-G.
Other names: c.2040T>G (NM_007347.3); c.1815T>G, p.Ile605Met (NM_001252127.2); short protein forms I680M, I605M.
Identifiers: ClinVar variation 2149166 (VCV002149166.5), dbSNP rs199947694, ClinGen allele CA7559237.

ClinVar aggregate classification (germline): Conflicting classifications of pathogenicity. Review status: criteria provided, conflicting classifications (1 of 4 stars). 2 submissions from 2 submitters: Uncertain significance (1); Likely benign (1). Last evaluated 2026-06-26.

Conditions:
Inborn genetic diseases. Identifiers: MedGen C0950123, MeSH D030342.
Spastic paraplegia. Identifiers: MedGen C0037772, HP:0001258.

Allele frequency attached by ClinVar (database versions not stated): 1000 Genomes Project 30x 0.00016; TOPMed 0.00003; gnomAD exomes 0.00003; gnomAD 0.00006; 1000 Genomes Project 0.00020; ExAC 0.00002.

Submissions (2):

Ambry Genetics
Classification: Likely benign for Inborn genetic diseases. Last evaluated: 2026-06-26. Review status: criteria provided, single submitter. Criteria: Ambry Variant Classification Scheme 2023. Collection method: clinical testing. Allele origin: germline.

Labcorp Genetics (formerly Invitae), Labcorp
Classification: Uncertain significance for Spastic paraplegia. Last evaluated: 2022-05-12. Review status: criteria provided, single submitter. Criteria: Invitae Variant Classification Sherloc (09022015). Collection method: clinical testing. Allele origin: germline.
Comment: In summary, the available evidence is currently insufficient to determine the role of this variant in disease. Therefore, it has been classified as a Variant of Uncertain Significance. Algorithms developed to predict the effect of missense changes on protein structure and function are either unavailable or do not agree on the potential impact of this missense change (SIFT: "Deleterious"; PolyPhen-2: "Benign"; Align-GVGD: "Class C0"). This variant has not been reported in the literature in individuals affected with AP4E1-related conditions. The frequency data for this variant in the population databases is considered unreliable, as metrics indicate poor data quality at this position in the gnomAD database. This sequence change replaces isoleucine, which is neutral and non-polar, with methionine, which is neutral and non-polar, at codon 680 of the AP4E1 protein (p.Ile680Met).